The following is an entry in ClinVar:

NM_152618.3(BBS12):c.1156_1157delinsTA (p.Arg386Ter)

Gene: BBS12 (Bardet-Biedl syndrome 12; plus strand). Cytogenetic location: 4q27.
Variant type: Indel.
Coding change: c.1156_1157delinsTA on transcript NM_152618.3 (MANE Select); coding-DNA positions 1156 to 1157, CG replaced by TA.
Protein change: p.Arg386Ter; replaces arginine 386 with a stop codon.
Molecular consequence: nonsense.
Genome position (GRCh38, 1-based): chr4:122,743,048-122,743,049, CG replaced by TA. VCF-style: chr4-122743048-CG-TA. GRCh37 (hg19) VCF-style: chr4-123664203-CG-TA.
Other names: c.1156_1157delinsTA, p.Arg386Ter (NM_001178007.2); c.1156_1157delinsTA (NM_001178007.1); short protein forms R386*.
Identifiers: ClinVar variation 1285360 (VCV001285360.1).

ClinVar aggregate classification (germline): Pathogenic (1 of 4 stars; one submission).

Conditions:
Bardet-Biedl syndrome (BBS). Identifiers: Orphanet 110, MedGen C0752166, MONDO:0015229.

Submission:

Lab De Baere, Eye and Developmental Genetics Lab, Ghent University
Classification: Pathogenic for Bardet-Biedl syndrome. Last evaluated: 2024-10-01. Review status: criteria provided, single submitter. Criteria: ACMG Guidelines, 2015. Collection method: research. Allele origin: inherited. Affected: yes. Observed: 1 variant allele.
Comment: ACMG/AMP guidelines: PM2, PVS1